The following is an entry in ClinVar:

NM_001042492.3(NF1):c.3685_3695del (p.Asn1229fs)

Gene: NF1 (neurofibromin 1; plus strand). Cytogenetic location: 17q11.2.
Variant type: Deletion.
Coding change: c.3685_3695del on transcript NM_001042492.3 (MANE Select); coding-DNA positions 3685 to 3695, 11 bases deleted (AATGTGGTTCC).
Protein change: p.Asn1229fs; shifts the reading frame from asparagine 1229.
Molecular consequence: frameshift variant.
Genome position (GRCh38, 1-based): chr17:31,233,190-31,233,200, AATGTGGTTCC deleted; deleting any 11 consecutive bases within chr17:31,233,188-31,233,200 gives the same sequence; the c. name uses the placement nearest the transcript's 3' end. VCF-style (leftmost placement, unchanged base first): chr17-31233187-GCCAATGTGGTT-G. GRCh37 (hg19) VCF-style: chr17-29560205-GCCAATGTGGTT-G.
Other names: c.3685_3695del, p.Asn1229fs (NM_000267.4); short protein forms N1229fs.
Identifiers: ClinVar variation 4726044 (VCV004726044.1).

ClinVar aggregate classification (germline): Pathogenic (1 of 4 stars; one submission).

Conditions:
Neurofibromatosis, type 1 (NF1). Also called: NEUROFIBROMATOSIS, TYPE I, SOMATIC; VON RECKLINGHAUSEN DISEASE; Peripheral type neurofibromatosis; Neurofibromatosis, type I. Identifiers: Orphanet 636, MedGen C0027831, MONDO:0018975, OMIM 162200. Disease mechanism: loss of function.

Submission:

Labcorp Genetics (formerly Invitae), Labcorp
Classification: Pathogenic for Neurofibromatosis, type 1. Last evaluated: 2025-08-25. Review status: criteria provided, single submitter. Criteria: Invitae Variant Classification Sherloc (09022015). Collection method: clinical testing. Allele origin: germline.
Comment: This sequence change creates a premature translational stop signal (p.Asn1229Leufs*6) in the NF1 gene. It is expected to result in an absent or disrupted protein product. Loss-of-function variants in NF1 are known to be pathogenic (PMID: 10712197, 23913538). This variant is not present in population databases (gnomAD no frequency). This variant has not been reported in the literature in individuals affected with NF1-related conditions. For these reasons, this variant has been classified as Pathogenic.

Literature cited by the submitters: PubMed 10712197; PubMed 23913538.